The following is an entry in ClinVar:

ClinVar aggregate classification (germline): Benign. Review status: criteria provided, multiple submitters, no conflicts (2 of 4 stars). 2 submissions from 2 submitters: Benign (2). Last evaluated 2018-06-15.

Allele frequency attached by ClinVar (database versions not stated): gnomAD 0.05781; 1000 Genomes Project 0.05950; 1000 Genomes Project 30x 0.06465; TOPMed 0.06874.
gnomAD v4.1: 30,226 of 1,039,440 alleles (2.9%); highest among the groups gnomAD compares: African/African-American, 18%; 1,380 homozygotes.

Submissions (2):

GeneDx
Classification: Benign. Last evaluated: 2018-06-15. Review status: criteria provided, single submitter. Criteria: GeneDx Variant Classification (06012015). Collection method: clinical testing. Allele origin: germline. Affected: yes.
Comment: This variant is considered likely benign or benign based on one or more of the following criteria: it is a conservative change, it occurs at a poorly conserved position in the protein, it is predicted to be benign by multiple in silico algorithms, and/or has population frequency not consistent with disease.

Breakthrough Genomics
Classification: Benign. Review status: criteria provided, single submitter. Criteria: ACMG Guidelines, 2015. Collection method: not provided. Allele origin: germline. Inheritance: Autosomal dominant inheritance. Affected: yes.

NM_004329.3(BMPR1A):c.869-122C>T

Gene: BMPR1A (bone morphogenetic protein receptor type 1A; plus strand). Cytogenetic location: 10q23.2.
Variant type: single nucleotide variant.
Coding change: c.869-122C>T on transcript NM_004329.3 (MANE Select); 122 bases into the intron before coding-DNA position 869, C replaced by T.
Molecular consequence: intron variant.
Genome position (GRCh38, 1-based): chr10:86,919,050, C>T. VCF-style: chr10-86919050-C-T. GRCh37 (hg19) VCF-style: chr10-88678807-C-T.
Identifiers: ClinVar variation 676529 (VCV000676529.2), dbSNP rs17107199, ClinGen allele CA211208409.
Genomic context (GRCh38, chr10:86,919,050, plus strand): 5'-GATATATGTGTAAATGTAGAAATATAATTTTTAGTAACACATTCACGACTTGGTGTCAGG[C>T]GAATTAAAGTTTCACTATCTGCACATGATACCTAAGTTTTTCTCAGTATCCAGAATGAGC-3'